The following is an entry in ClinVar:

NM_130384.3(ATRIP):c.2105G>A (p.Arg702Gln)

Genes: ATRIP (ATR interacting protein; plus strand), ATRIP-TREX1 (ATRIP-TREX1 readthrough; plus strand). Cytogenetic location: 3p21.31.
Variant type: single nucleotide variant.
Coding change: c.2105G>A on transcript NM_130384.3 (MANE Select); coding-DNA position 2105, G replaced by A.
Protein change: p.Arg702Gln; replaces arginine 702 with glutamine.
Molecular consequence: missense variant. On other transcripts: non-coding transcript variant (1).
Genome position (GRCh38, 1-based): chr3:48,464,880, G>A. VCF-style: chr3-48464880-G-A. GRCh37 (hg19) VCF-style: chr3-48506279-G-A.
Other names: c.1724G>A, p.Arg575Gln (NM_001271022.2); c.1826G>A, p.Arg609Gln (NM_001271023.2); c.2024G>A, p.Arg675Gln (NM_032166.4); c.2105G>A (NM_130384.1); short protein forms R575Q, R609Q, R675Q, R702Q.
Identifiers: ClinVar variation 771855 (VCV000771855.34), dbSNP rs76493396, ClinGen allele CA2376400.

ClinVar aggregate classification (germline): Benign/Likely benign. Review status: criteria provided, multiple submitters, no conflicts (2 of 4 stars). 4 submissions from 4 submitters: Benign (3); Likely benign (1). Last evaluated 2026-01-22.

Allele frequency attached by ClinVar (database versions not stated): 1000 Genomes Project 30x 0.00297; 1000 Genomes Project 0.00339; TOPMed 0.00505; gnomAD 0.00613 and 0.00626; gnomAD exomes 0.00619; ESP Exome Variant Server 0.00638; ExAC 0.00689.
gnomAD v4.1: 12,174 of 1,613,884 alleles (0.75%); highest among the groups gnomAD compares: Non-Finnish European, 0.91%; 69 homozygotes.

Submissions (4):

Labcorp Genetics (formerly Invitae), Labcorp
Classification: Benign. Last evaluated: 2026-01-22. Review status: criteria provided, single submitter. Criteria: Invitae Variant Classification Sherloc (09022015). Collection method: clinical testing. Allele origin: germline.

CeGaT Center for Human Genetics Tuebingen
Classification: Likely benign. Last evaluated: 2025-04-01. Review status: criteria provided, single submitter. Criteria: CeGaT Center For Human Genetics Tuebingen Variant Classification Criteria Version 2. Collection method: clinical testing. Allele origin: germline. Affected: yes. Observed: 2 variant alleles.
Comment: ATRIP: BP4, BS2

Ambry Genetics
Classification: Benign. Last evaluated: 2024-10-28. Review status: criteria provided, single submitter. Criteria: Ambry Variant Classification Scheme 2023. Collection method: clinical testing. Allele origin: germline.

Breakthrough Genomics
Classification: Benign. Review status: criteria provided, single submitter. Criteria: ACMG Guidelines, 2015. Collection method: not provided. Allele origin: germline. Inheritance: Unknown mechanism. Affected: yes.